The following is an entry in ClinVar:

NM_001243133.2(NLRP3):c.397+5G>T

Gene: NLRP3 (NLR family pyrin domain containing 3; plus strand). Cytogenetic location: 1q44.
Variant type: single nucleotide variant.
Coding change: c.397+5G>T on transcript NM_001243133.2 (MANE Select); 5 bases into the intron after coding-DNA position 397, G replaced by T.
Molecular consequence: intron variant.
Genome position (GRCh38, 1-based): chr1:247,423,354, G>T. VCF-style: chr1-247423354-G-T. GRCh37 (hg19) VCF-style: chr1-247586656-G-T.
Other names: c.403+5G>T (NM_004895.5); c.397+5G>T (NM_001127461.3, NM_001127462.3, NM_183395.3 and 1 more transcripts).
Identifiers: ClinVar variation 861871 (VCV000861871.7), dbSNP rs1232636611, ClinGen allele CA916080244.
Genomic context (GRCh38, chr1:247,423,354, plus strand): 5'-GTGGATGGGTTTACTGGAGTACCTTTCGAGAATCTCTATTTGTAAAATGAAGAAAGGTAA[G>T]CGACTGGGGTGGTGCTTCTAGTTGAGTTTTAAGACCTGGTTCAGGAGGCTCTGGGAAGCT-3'

ClinVar aggregate classification (germline): Uncertain significance (1 of 4 stars; one submission).

Conditions:
Cryopyrin associated periodic syndrome (CAPS). Identifiers: Orphanet 208650, MedGen C2316212, MONDO:0016168.

gnomAD v4.1: 2 of 1,613,906 alleles (0.00012%); highest among the groups gnomAD compares: Non-Finnish European, 0.00017%; no homozygotes.

Submission:

Labcorp Genetics (formerly Invitae), Labcorp
Classification: Uncertain significance for Cryopyrin associated periodic syndrome. Last evaluated: 2019-04-04. Review status: criteria provided, single submitter. Criteria: Invitae Variant Classification Sherloc (09022015). Collection method: clinical testing. Allele origin: germline.
Comment: In summary, the available evidence is currently insufficient to determine the role of this variant in disease. Therefore, it has been classified as a Variant of Uncertain Significance. Nucleotide substitutions within the consensus splice site are a relatively common cause of aberrant splicing (PMID: 17576681, 9536098). Algorithms developed to predict the effect of sequence changes on RNA splicing suggest that this variant may disrupt the consensus splice site, but this prediction has not been confirmed by published transcriptional studies. This variant has not been reported in the literature in individuals with NLRP3-related conditions. This variant is not present in population databases (ExAC no frequency). This sequence change falls in intron 2 of the NLRP3 gene. It does not directly change the encoded amino acid sequence of the NLRP3 protein, but it affects a nucleotide within the consensus splice site of the intron.

Literature cited by the submitters: PubMed 17576681; PubMed 9536098.